The following is an entry in ClinVar:

NM_006431.3(CCT2):c.1457G>A (p.Gly486Glu)

Gene: CCT2 (chaperonin containing TCP1 subunit 2; plus strand). Cytogenetic location: 12q15.
Variant type: single nucleotide variant.
Coding change: c.1457G>A on transcript NM_006431.3 (MANE Select); coding-DNA position 1457, G replaced by A.
Protein change: p.Gly486Glu; replaces glycine 486 with glutamic acid.
Molecular consequence: missense variant.
Genome position (GRCh38, 1-based): chr12:69,599,884, G>A. VCF-style: chr12-69599884-G-A. GRCh37 (hg19) VCF-style: chr12-69993664-G-A.
Other names: c.1316G>A, p.Gly439Glu (NM_001198842.2); short protein forms G486E, G439E.
Identifiers: ClinVar variation 1469797 (VCV001469797.8), dbSNP rs1028542726, ClinGen allele CA239120884.
Genomic context (GRCh38, chr12:69,599,884, plus strand): 5'-GTTAAAACTGCTTTTTAGTAAATTTGTTTTTCTTTGCAGATATGAGGGAAGGCACCATTG[G>A]AGATATGGCTATCCTGGGTATAACAGAAAGTTTTCAAGTGAAGCGACAGGTTCTTCTGAG-3'
Protein context (NP_006422.1, residues 476-496): AGLDMREGTI[Gly486Glu]DMAILGITES

ClinVar aggregate classification (germline): Uncertain significance (1 of 4 stars; one submission).

Allele frequency attached by ClinVar (database versions not stated): TOPMed 0.00001.

Submission:

Labcorp Genetics (formerly Invitae), Labcorp
Classification: Uncertain significance. Last evaluated: 2022-10-01. Review status: criteria provided, single submitter. Criteria: Invitae Variant Classification Sherloc (09022015). Collection method: clinical testing. Allele origin: germline.
Comment: This variant has not been reported in the literature in individuals affected with CCT2-related conditions. In summary, the available evidence is currently insufficient to determine the role of this variant in disease. Therefore, it has been classified as a Variant of Uncertain Significance. Algorithms developed to predict the effect of missense changes on protein structure and function are either unavailable or do not agree on the potential impact of this missense change (SIFT: "Deleterious"; PolyPhen-2: "Benign"; Align-GVGD: "Class C15"). ClinVar contains an entry for this variant (Variation ID: 1469797). This variant is not present in population databases (gnomAD no frequency). This sequence change replaces glycine, which is neutral and non-polar, with glutamic acid, which is acidic and polar, at codon 486 of the CCT2 protein (p.Gly486Glu).